The following is an entry in ClinVar:

NM_001104631.2(PDE4D):c.554G>A (p.Ser185Asn)

Gene: PDE4D (phosphodiesterase 4D; minus strand). Cytogenetic location: 5q11.2.
Variant type: single nucleotide variant.
Coding change: c.554G>A on transcript NM_001104631.2 (MANE Select); coding-DNA position 554, G replaced by A.
Protein change: p.Ser185Asn; replaces serine 185 with asparagine.
Molecular consequence: missense variant. On other transcripts: 5 prime UTR variant (3).
Genome position (GRCh38, 1-based): chr5:59,215,870, C>T on the plus strand (G>A on the coding strand, the complement: PDE4D is on the minus strand). VCF-style: chr5-59215870-C-T. GRCh37 (hg19) VCF-style: chr5-58511696-C-T.
Other names: c.146G>A, p.Ser49Asn (NM_006203.5); c.371G>A, p.Ser124Asn (NM_001165899.2, NM_001364599.1, NM_001364600.2); c.362G>A, p.Ser121Asn (NM_001197218.2, NM_001364601.1, NM_001364602.2); c.188G>A, p.Ser63Asn (NM_001197219.2); c.164G>A, p.Ser55Asn (NM_001197220.2); c.341G>A, p.Ser114Asn (NM_001349241.2); c.224G>A, p.Ser75Asn (NM_001349242.2); c.-141G>A (NM_001349243.2, NM_001364604.1); and 1 more; short protein forms S124N, S121N, S185N, S49N, S63N, S75N, S114N, S55N.
Identifiers: ClinVar variation 4754335 (VCV004754335.1).

ClinVar aggregate classification (germline): Uncertain significance (1 of 4 stars; one submission).

gnomAD v4.1: 15 of 1,613,588 alleles (0.00093%); highest among the groups gnomAD compares: South Asian, 0.0022%; 1 homozygote.

Submission:

Labcorp Genetics (formerly Invitae), Labcorp
Classification: Uncertain significance. Last evaluated: 2025-04-03. Review status: criteria provided, single submitter. Criteria: Invitae Variant Classification Sherloc (09022015). Collection method: clinical testing. Allele origin: germline.
Comment: This sequence change replaces serine, which is neutral and polar, with asparagine, which is neutral and polar, at codon 185 of the PDE4D protein (p.Ser185Asn). This variant is present in population databases (rs759197521, gnomAD 0.006%), including at least one homozygous and/or hemizygous individual. This variant has not been reported in the literature in individuals affected with PDE4D-related conditions. Invitae Evidence Modeling of protein sequence and biophysical properties (such as structural, functional, and spatial information, amino acid conservation, physicochemical variation, residue mobility, and thermodynamic stability) indicates that this missense variant is not expected to disrupt PDE4D protein function with a negative predictive value of 80%. In summary, the available evidence is currently insufficient to determine the role of this variant in disease. Therefore, it has been classified as a Variant of Uncertain Significance.